The following is an entry in ClinVar:

NM_000795.4(DRD2):c.618G>T (p.Leu206=)

Gene: DRD2 (dopamine receptor D2; minus strand). Cytogenetic location: 11q23.2.
Variant type: single nucleotide variant.
Coding change: c.618G>T on transcript NM_000795.4 (MANE Select); coding-DNA position 618, G replaced by T.
Protein change: p.Leu206=; no amino-acid change (leucine 206 retained).
Molecular consequence: synonymous variant.
Genome position (GRCh38, 1-based): chr11:113,415,526, C>A on the plus strand (G>T on the coding strand, the complement: DRD2 is on the minus strand). VCF-style: chr11-113415526-C-A. GRCh37 (hg19) VCF-style: chr11-113286248-C-A.
Other names: c.615G>T, p.Leu205= (NM_001440368.1); c.618G>T, p.Leu206= (NM_016574.4).
Identifiers: ClinVar variation 4822503 (VCV004822503.5).
Genomic context (GRCh38, chr11:113,415,526, plus strand): 5'-TTTGGTGTTGACTCGCTTGCGGCGTCTGCGGAGGACAATGTAGATCTTGATGTAGACCAG[C>A]AGGGTGACAATGAAGGGCACGTAGAAGGAGACGATGGAGGAGTAGACCACGAAGGCCGGG-3'
Protein context (NP_000786.1, residues 196-216): VSFYVPFIVT[Leu206=]LVYIKIYIVL

ClinVar aggregate classification (germline): Likely benign. Review status: criteria provided, multiple submitters, no conflicts (2 of 4 stars). 2 submissions from 2 submitters: Likely benign (2). Last evaluated 2026-01-01.

gnomAD v4.1: 17 of 1,613,874 alleles (0.0011%); highest among the groups gnomAD compares: African/African-American, 0.0013%; no homozygotes.

Submissions (2):

CeGaT Center for Human Genetics Tuebingen
Classification: Likely benign. Last evaluated: 2026-01-01. Review status: criteria provided, single submitter. Criteria: CeGaT Center For Human Genetics Tuebingen Variant Classification Criteria Version 2. Collection method: clinical testing. Allele origin: germline. Affected: yes. Observed: 1 variant allele.
Comment: DRD2: BP4, BP7

Blueprint Genetics
Classification: Likely benign. Last evaluated: 2020-11-04. Review status: criteria provided, single submitter. Criteria: ACMG Guidelines, 2015. Collection method: clinical testing. Allele origin: germline.